The following is an entry in ClinVar:

NM_152564.5(VPS13B):c.11510C>T (p.Ser3837Phe)

Gene: VPS13B (vacuolar protein sorting 13 homolog B; plus strand). Cytogenetic location: 8q22.2.
Variant type: single nucleotide variant.
Coding change: c.11510C>T on transcript NM_152564.5 (MANE Select); coding-DNA position 11510, C replaced by T.
Protein change: p.Ser3837Phe; replaces serine 3837 with phenylalanine.
Molecular consequence: missense variant.
Genome position (GRCh38, 1-based): chr8:99,871,462, C>T. VCF-style: chr8-99871462-C-T. GRCh37 (hg19) VCF-style: chr8-100883690-C-T.
Other names: c.11585C>T, p.Ser3862Phe (NM_017890.5); short protein forms S3837F, S3862F.
Identifiers: ClinVar variation 3349060 (VCV003349060.1).

ClinVar aggregate classification (germline): Uncertain significance (0 of 4 stars; one submission).

Conditions:
VPS13B-related disorder. Also called: VPS13B-related condition.

Submission:

PreventionGenetics, part of Exact Sciences
Classification: Uncertain significance for VPS13B-related condition. Last evaluated: 2024-03-05. Review status: no assertion criteria provided. Collection method: clinical testing. Allele origin: germline.
Comment: The VPS13B c.11510C>T variant is predicted to result in the amino acid substitution p.Ser3837Phe. To our knowledge, this variant has not been reported in the literature or in a large population database, indicating this variant is rare. At this time, the clinical significance of this variant is uncertain due to the absence of conclusive functional and genetic evidence.